The following is an entry in ClinVar:

NM_003458.4(BSN):c.8111T>G (p.Ile2704Arg)

Gene: BSN (bassoon presynaptic cytomatrix protein; plus strand). Cytogenetic location: 3p21.31.
Variant type: single nucleotide variant.
Coding change: c.8111T>G on transcript NM_003458.4 (MANE Select); coding-DNA position 8111, T replaced by G.
Protein change: p.Ile2704Arg; replaces isoleucine 2704 with arginine.
Molecular consequence: missense variant.
Genome position (GRCh38, 1-based): chr3:49,657,667, T>G. VCF-style: chr3-49657667-T-G. GRCh37 (hg19) VCF-style: chr3-49695100-T-G.
Other names: short protein forms I2704R.
Identifiers: ClinVar variation 4795346 (VCV004795346.1).

ClinVar aggregate classification (germline): Uncertain significance (1 of 4 stars; one submission).

Submission:

GeneDx
Classification: Uncertain significance. Last evaluated: 2025-08-16. Review status: criteria provided, single submitter. Criteria: GeneDx Variant Classification Process June 2021. Collection method: clinical testing. Allele origin: germline. Affected: yes.
Comment: Not observed at significant frequency in large population cohorts (gnomAD); In silico analysis supports that this missense variant has a deleterious effect on protein structure/function; Has not been previously published as pathogenic or benign to our knowledge